The following is an entry in ClinVar:

NM_004115.4(FGF14):c.*176C>G

Gene: FGF14 (fibroblast growth factor 14; minus strand). Cytogenetic location: 13q33.1.
Variant type: single nucleotide variant.
Coding change: c.*176C>G on transcript NM_004115.4 (MANE Select); 176 bases downstream of the stop codon, C replaced by G.
Molecular consequence: 3 prime UTR variant.
Genome position (GRCh38, 1-based): chr13:101,722,655, G>C on the plus strand (C>G on the coding strand, the complement: FGF14 is on the minus strand). VCF-style: chr13-101722655-G-C. GRCh37 (hg19) VCF-style: chr13-102375005-G-C.
Other names: c.*176C>G (NM_001321939.2, NM_001321940.1, NM_001321941.2 and 17 more transcripts).
Identifiers: ClinVar variation 310890 (VCV000310890.5), dbSNP rs191705440, ClinGen allele CA10638882.

ClinVar aggregate classification (germline): Benign (1 of 4 stars; one submission).

Conditions:
Spinocerebellar ataxia type 27 (SCA27). Identifiers: Orphanet 98764, MedGen C1836383, MONDO:0012247.

Allele frequency attached by ClinVar (database versions not stated): TOPMed 0.00037; gnomAD 0.00039; 1000 Genomes Project 30x 0.00125; 1000 Genomes Project 0.00160.

Submission:

Illumina Laboratory Services, Illumina
Classification: Benign for Spinocerebellar ataxia 27A. Last evaluated: 2018-01-12. Review status: criteria provided, single submitter. Criteria: ICSL Variant Classification Criteria 13 December 2019. Collection method: clinical testing. Allele origin: germline.
Comment: This variant was observed in the ICSL laboratory as part of a predisposition screen in an ostensibly healthy population. It had not been previously curated by ICSL or reported in the Human Gene Mutation Database (HGMD: prior to June 1st, 2018), and was therefore a candidate for classification through an automated scoring system. Utilizing variant allele frequency, disease prevalence and penetrance estimates, and inheritance mode, an automated score was calculated to assess if this variant is too frequent to cause the disease. Based on the score and internal cut-off values, a variant classified as benign is not then subjected to further curation. The score for this variant resulted in a classification of benign for this disease.